The following is an entry in ClinVar:

NM_031407.7(HUWE1):c.10964G>A (p.Arg3655Gln)

Gene: HUWE1 (HECT, UBA and WWE domain containing E3 ubiquitin protein ligase 1; minus strand). Cytogenetic location: Xp11.22.
Variant type: single nucleotide variant.
Coding change: c.10964G>A on transcript NM_031407.7 (MANE Select); coding-DNA position 10964, G replaced by A.
Protein change: p.Arg3655Gln; replaces arginine 3655 with glutamine.
Molecular consequence: missense variant.
Genome position (GRCh38, 1-based): chrX:53,545,113, C>T on the plus strand (G>A on the coding strand, the complement: HUWE1 is on the minus strand). VCF-style: chrX-53545113-C-T. GRCh37 (hg19) VCF-style: chrX-53572074-C-T.
Other names: c.10964G>A (NM_031407.4); short protein forms R3655Q.
Identifiers: ClinVar variation 870378 (VCV000870378.10), dbSNP rs375143574, ClinGen allele CA10421440.

ClinVar aggregate classification (germline): Conflicting classifications of pathogenicity. Review status: criteria provided, conflicting classifications (1 of 4 stars). 3 submissions from 3 submitters: Uncertain significance (2); Likely benign (1). Last evaluated 2025-04-23.

Conditions:
Intellectual developmental disorder, X-linked, syndromic, Turner type. Also called: X-linked intellectual disability, Turner type; Intellectual disability, X-linked syndromic, Turner type. Identifiers: Orphanet 3056, Orphanet 85328, MedGen C2678046, MONDO:0010407, OMIM 309590.

Allele frequency attached by ClinVar (database versions not stated): ESP Exome Variant Server 0.00009; gnomAD exomes 0.00001; TOPMed below 0.00001; ExAC 0.00001.

Submissions (3):

GeneDx
Classification: Uncertain significance. Last evaluated: 2025-04-23. Review status: criteria provided, single submitter. Criteria: GeneDx Variant Classification Process June 2021. Collection method: clinical testing. Allele origin: germline. Affected: yes.
Comment: In silico analysis indicates that this missense variant does not alter protein structure/function; Has not been previously published as pathogenic or benign to our knowledge

Labcorp Genetics (formerly Invitae), Labcorp
Classification: Likely benign. Last evaluated: 2022-09-01. Review status: criteria provided, single submitter. Criteria: Invitae Variant Classification Sherloc (09022015). Collection method: clinical testing. Allele origin: germline.

Victorian Clinical Genetics Services, Murdoch Childrens Research Institute
Classification: Uncertain significance for Intellectual developmental disorder, X-linked, syndromic, Turner type. Last evaluated: 2020-10-19. Review status: criteria provided, single submitter. Criteria: ACMG Guidelines, 2015. Collection method: clinical testing. Allele origin: germline. Inheritance: X-linked inheritance.
Comment: Based on the classification scheme VCGS_Germline_v1.1.1, this variant is classified as 3C-VUS. Following criteria are met: 0103 - Both loss- and gain-of-function are known mechanisms of disease for this gene. (N) 0110 - This gene is known to be associated with X-linked dominant disease. (N) 0200 - Variant is predicted to result in a missense amino acid change from arginine to glutamine (exon 71). (N) 0251 - Variant is heterozygous. (N) 0302 - Variant is present in gnomAD <0.001 for a dominant condition (1 heterozygote, 0 homozygotes, 0 hemizygotes). (P) 0503 - Missense variant consistently predicted to be tolerated or not conserved in mammals with a minor amino acid change. (B) 0604 - Variant is not located in an established domain, motif, hotspot or informative constraint region. (N) 0705 - No comparable variants have previous evidence for pathogenicity. (N) 0807 - Variant has not previously been reported in a clinical context. (N) 0905 - No segregation evidence has been identified for this variant. (N) 1007 - No published functional evidence has been identified for this variant. (N) Legend: (P) - Pathogenic, (N) - Neutral, (B) - Benign